The following is an entry in ClinVar:

NM_005732.4(RAD50):c.1088A>G (p.His363Arg)

Gene: RAD50 (RAD50 double strand break repair protein; plus strand). Cytogenetic location: 5q31.1.
Variant type: single nucleotide variant.
Coding change: c.1088A>G on transcript NM_005732.4 (MANE Select); coding-DNA position 1088, A replaced by G.
Protein change: p.His363Arg; replaces histidine 363 with arginine.
Molecular consequence: missense variant.
Genome position (GRCh38, 1-based): chr5:132,588,723, A>G. VCF-style: chr5-132588723-A-G. GRCh37 (hg19) VCF-style: chr5-131924415-A-G.
Other names: short protein forms H363R.
Identifiers: ClinVar variation 656432 (VCV000656432.12), dbSNP rs143654104, ClinGen allele CA127243722.

ClinVar aggregate classification (germline): Uncertain significance. Review status: criteria provided, multiple submitters, no conflicts (2 of 4 stars). 2 submissions from 2 submitters: Uncertain significance (2). Last evaluated 2022-08-09.

Conditions:
Nijmegen breakage syndrome-like disorder (NBSLD). Also called: MICROCEPHALY AND SPONTANEOUS CHROMOSOME INSTABILITY WITHOUT IMMUNODEFICIENCY; NBS-LIKE DISORDER; RAD50 DEFICIENCY. Identifiers: Orphanet 240760, MedGen C2751318, MONDO:0013118, OMIM 613078.
Hereditary cancer-predisposing syndrome. Also called: Hereditary neoplastic syndrome; Tumor predisposition; Neoplastic Syndromes, Hereditary; Hereditary Cancer Syndrome. Identifiers: Orphanet 140162, MedGen C0027672, MeSH D009386, MONDO:0015356.

Allele frequency attached by ClinVar (database versions not stated): ESP Exome Variant Server 0.00008.

Submissions (2):

Labcorp Genetics (formerly Invitae), Labcorp
Classification: Uncertain significance for Hereditary cancer-predisposing syndrome. Last evaluated: 2022-08-09. Review status: criteria provided, single submitter. Criteria: Invitae Variant Classification Sherloc (09022015). Collection method: clinical testing. Allele origin: germline.
Comment: Algorithms developed to predict the effect of sequence changes on RNA splicing suggest that this variant may create or strengthen a splice site. This sequence change replaces histidine, which is basic and polar, with arginine, which is basic and polar, at codon 363 of the RAD50 protein (p.His363Arg). This variant is not present in population databases (gnomAD no frequency). This variant has not been reported in the literature in individuals affected with RAD50-related conditions. ClinVar contains an entry for this variant (Variation ID: 656432). Algorithms developed to predict the effect of missense changes on protein structure and function (SIFT, PolyPhen-2, Align-GVGD) all suggest that this variant is likely to be tolerated. In summary, the available evidence is currently insufficient to determine the role of this variant in disease. Therefore, it has been classified as a Variant of Uncertain Significance.

Sema4
Classification: Uncertain significance for Nijmegen breakage syndrome-like disorder. Last evaluated: 2021-11-15. Review status: criteria provided, single submitter. Criteria: Sema4 Curation Guidelines. Collection method: curation. Allele origin: germline.
Comment: The RAD50 c.1088A>G (p.H363R) variant has not been reported in the literature to our knowledge. It was not observed in the large and broad cohorts of the Genome Aggregation Database (PMID: 32461654). The variant has been reported in ClinVar (Variation ID 656432). Functional studies have not been performed, and in silico predictions of the variant's effect on protein function are inconclusive. The evidence is insufficient to meet ACMG/AMP criteria for classifying the variant as benign or pathogenic. Thus, the clinical significance of this variant is currently uncertain.